The following is an entry in ClinVar:

NM_020702.5(MYORG):c.1727G>A (p.Arg576His)

Gene: MYORG (myogenesis regulating glycosidase; minus strand). Cytogenetic location: 9p13.3.
Variant type: single nucleotide variant.
Coding change: c.1727G>A on transcript NM_020702.5 (MANE Select); coding-DNA position 1727, G replaced by A.
Protein change: p.Arg576His; replaces arginine 576 with histidine.
Molecular consequence: missense variant.
Genome position (GRCh38, 1-based): chr9:34,371,217, C>T on the plus strand (G>A on the coding strand, the complement: MYORG is on the minus strand). VCF-style: chr9-34371217-C-T. GRCh37 (hg19) VCF-style: chr9-34371215-C-T.
Other names: short protein forms R576H.
Identifiers: ClinVar variation 3239093 (VCV003239093.20), dbSNP rs866335788.

ClinVar aggregate classification (germline): Conflicting classifications of pathogenicity. Review status: criteria provided, conflicting classifications (1 of 4 stars). 3 submissions from 3 submitters: Likely pathogenic (1); Uncertain significance (2). Last evaluated 2026-07-30.

Conditions:
Idiopathic basal ganglia calcification 1 (PFBC1A). Also called: Familial Idiopathic Basal Ganglia Calcification 2; Fahr's syndrome; Cerebral calcification nonarteriosclerotic idiopathic adult-onset; Striopallidodentate calcinosis autosomal dominant adult-onset; Ferrocalcinosis, cerebrovascular; Fahr disease, familial (formerly). Identifiers: Orphanet 1980, MedGen C4551624, MONDO:0024538, OMIM 213600.
Basal ganglia calcification, idiopathic, 7, autosomal recessive. Also called: PRIMARY FAMILIAL BRAIN CALCIFICATION 7, AUTOSOMAL RECESSIVE. Identifiers: MedGen C5193025, MONDO:0032673, OMIM 618317.

Allele frequency attached by ClinVar (database versions not stated): gnomAD exomes below 0.00001.
gnomAD v4.1: 5 of 1,610,516 alleles (0.00031%); highest among the groups gnomAD compares: Middle Eastern, 0.033%; no homozygotes.

Submissions (3):

Institute of Medical Genetics and Applied Genomics, University Hospital Tübingen
Classification: Uncertain significance for Basal ganglia calcification, idiopathic, 7, autosomal recessive. Last evaluated: 2026-07-30. Review status: criteria provided, single submitter. Criteria: ACMG Guidelines, 2015. Collection method: clinical testing. Allele origin: germline. Inheritance: Autosomal recessive inheritance. Affected: yes.

CeGaT Center for Human Genetics Tuebingen
Classification: Uncertain significance. Last evaluated: 2025-01-01. Review status: criteria provided, single submitter. Criteria: CeGaT Center For Human Genetics Tuebingen Variant Classification Criteria Version 2. Collection method: clinical testing. Allele origin: germline. Affected: yes. Observed: 3 variant alleles.
Comment: MYORG: PM2, PM3, PP4

Clinical Genetics Laboratory, Skane University Hospital Lund
Classification: Likely pathogenic for Idiopathic basal ganglia calcification 1. Last evaluated: 2024-10-01. Review status: criteria provided, single submitter. Criteria: ACMG Guidelines, 2015. Collection method: clinical testing. Allele origin: germline. Affected: yes.
Comment: ACMG criteria used: PS4_Supporting, PM2, PM3_Supporting, PP3, PP4